The following is an entry in ClinVar:

ClinVar aggregate classification (germline): Uncertain significance (1 of 4 stars; one submission).

Submission:

GeneDx
Classification: Uncertain significance. Last evaluated: 2024-02-06. Review status: criteria provided, single submitter. Criteria: GeneDx Variant Classification Process June 2021. Collection method: clinical testing. Allele origin: germline. Affected: yes.
Comment: Not observed at significant frequency in large population cohorts (gnomAD); Canonical splice site variant in a gene or region of a gene for which loss of function is not a well-established mechanism of disease; Has not been previously published as pathogenic or benign to our knowledge

NM_002971.6(SATB1):c.515+2T>C

Gene: SATB1 (SATB homeobox 1; minus strand). Cytogenetic location: 3p24.3.
Variant type: single nucleotide variant.
Coding change: c.515+2T>C on transcript NM_002971.6 (MANE Select); the canonical splice donor site of the intron after coding-DNA position 515, T replaced by C.
Molecular consequence: splice donor variant.
Genome position (GRCh38, 1-based): chr3:18,416,005, A>G on the plus strand (T>C on the coding strand, the complement: SATB1 is on the minus strand). VCF-style: chr3-18416005-A-G. GRCh37 (hg19) VCF-style: chr3-18457497-A-G.
Other names: c.515+2T>C (NM_001322874.2, NM_001322872.2, NM_001322873.2 and 4 more transcripts); c.299+2T>C (NM_001322876.2).
Identifiers: ClinVar variation 3368665 (VCV003368665.1).
Genomic context (GRCh38, chr3:18,416,005, plus strand): 5'-GCTTCATTTCAAAAGACCAGGTAAGAAGAATGTTTCACCCTAGATTTGCTGTCTTGACTC[A>G]CCTGTGTAACTGAATTTTCAATGTGACCACATGATACACATCTTGAAGCATATCTGCTAC-3'